The following is an entry in ClinVar:

NM_000214.3(JAG1):c.3097G>C (p.Asp1033His)

Gene: JAG1 (jagged canonical Notch ligand 1; minus strand). Cytogenetic location: 20p12.2.
Variant type: single nucleotide variant.
Coding change: c.3097G>C on transcript NM_000214.3 (MANE Select); coding-DNA position 3097, G replaced by C.
Protein change: p.Asp1033His; replaces aspartic acid 1033 with histidine.
Molecular consequence: missense variant.
Genome position (GRCh38, 1-based): chr20:10,640,885, C>G on the plus strand (G>C on the coding strand, the complement: JAG1 is on the minus strand). VCF-style: chr20-10640885-C-G. GRCh37 (hg19) VCF-style: chr20-10621533-C-G.
Other names: short protein forms D1033H.
Identifiers: ClinVar variation 1318700 (VCV001318700.2), dbSNP rs772228887, ClinGen allele CA408244192.

ClinVar aggregate classification (germline): Uncertain significance (1 of 4 stars; one submission).

Submission:

GeneDx
Classification: Uncertain significance. Last evaluated: 2020-01-10. Review status: criteria provided, single submitter. Criteria: GeneDx Variant Classification Process June 2021. Collection method: clinical testing. Allele origin: germline. Affected: yes.
Comment: Not observed in large population cohorts (Lek et al., 2016); In silico analysis, which includes protein predictors and evolutionary conservation, supports that this variant does not alter protein structure/function; Has not been previously published as pathogenic or benign to our knowledge